The following is an entry in ClinVar:

NM_005630.3(SLCO2A1):c.1291C>A (p.Pro431Thr)

Gene: SLCO2A1 (solute carrier organic anion transporter family member 2A1; minus strand). Cytogenetic location: 3q22.1.
Variant type: single nucleotide variant.
Coding change: c.1291C>A on transcript NM_005630.3 (MANE Select); coding-DNA position 1291, C replaced by A.
Protein change: p.Pro431Thr; replaces proline 431 with threonine.
Molecular consequence: missense variant.
Genome position (GRCh38, 1-based): chr3:133,947,260, G>T on the plus strand (C>A on the coding strand, the complement: SLCO2A1 is on the minus strand). VCF-style: chr3-133947260-G-T. GRCh37 (hg19) VCF-style: chr3-133666104-G-T.
Other names: short protein forms P431T.
Identifiers: ClinVar variation 710921 (VCV000710921.11), dbSNP rs146195307, ClinGen allele CA2626522.

ClinVar aggregate classification (germline): Likely benign. Review status: criteria provided, single submitter (1 of 4 stars). 2 submissions from 2 submitters: Likely benign (1). 1 of the submissions does not count toward it. Last evaluated 2025-03-25.

Conditions:
SLCO2A1-related disorder. Also called: SLCO2A1-related condition.

Allele frequency attached by ClinVar (database versions not stated): TOPMed 0.00067; ESP Exome Variant Server 0.00069.
gnomAD v4.1: 204 of 1,613,724 alleles (0.013%); highest among the groups gnomAD compares: African/African-American, 0.22%; no homozygotes.

Submissions (2):

Labcorp Genetics (formerly Invitae), Labcorp
Classification: Likely benign. Last evaluated: 2025-03-25. Review status: criteria provided, single submitter. Criteria: Invitae Variant Classification Sherloc (09022015). Collection method: clinical testing. Allele origin: germline.

PreventionGenetics, part of Exact Sciences
Classification: Likely benign for SLCO2A1-related condition. Last evaluated: 2022-04-18. Review status: no assertion criteria provided. Collection method: clinical testing. Allele origin: germline. Not counted in ClinVar's aggregate classification.
Comment: This variant is classified as likely benign based on ACMG/AMP sequence variant interpretation guidelines (Richards et al. 2015 PMID: 25741868, with internal and published modifications).